The following is an entry in ClinVar:

ClinVar aggregate classification (germline): Benign/Likely benign. Review status: criteria provided, multiple submitters, no conflicts (2 of 4 stars). 3 submissions from 3 submitters: Benign (2); Likely benign (1). Last evaluated 2023-02-01.

Allele frequency attached by ClinVar (database versions not stated): 1000 Genomes Project 30x 0.00219; 1000 Genomes Project 0.00240; ESP Exome Variant Server 0.00346; TOPMed 0.00353; gnomAD 0.00507 and 0.00515; gnomAD exomes 0.00600 and 0.00628; ExAC 0.00626.

Submissions (3):

CeGaT Center for Human Genetics Tuebingen
Classification: Likely benign. Last evaluated: 2023-02-01. Review status: criteria provided, single submitter. Criteria: CeGaT Center For Human Genetics Tuebingen Variant Classification Criteria Version 2. Collection method: clinical testing. Allele origin: germline. Affected: yes. Observed: 1 variant allele.
Comment: CBX6: BP4, BP7, BS2

Labcorp Genetics (formerly Invitae), Labcorp
Classification: Benign. Last evaluated: 2018-09-12. Review status: criteria provided, single submitter. Criteria: Invitae Variant Classification Sherloc (09022015). Collection method: clinical testing. Allele origin: germline.

Breakthrough Genomics
Classification: Benign. Review status: criteria provided, single submitter. Criteria: ACMG Guidelines, 2015. Collection method: not provided. Allele origin: germline. Inheritance: Unknown mechanism. Affected: yes.

NM_014292.5(CBX6):c.216G>A (p.Arg72=)

Gene: CBX6 (chromobox 6; minus strand). Cytogenetic location: 22q13.1.
Variant type: single nucleotide variant.
Coding change: c.216G>A on transcript NM_014292.5 (MANE Select); coding-DNA position 216, G replaced by A.
Protein change: p.Arg72=; no amino-acid change (arginine 72 retained).
Molecular consequence: synonymous variant.
Genome position (GRCh38, 1-based): chr22:38,871,510, C>T on the plus strand (G>A on the coding strand, the complement: CBX6 is on the minus strand). VCF-style: chr22-38871510-C-T. GRCh37 (hg19) VCF-style: chr22-39267515-C-T.
Other names: c.216G>A, p.Arg72= (NM_001303494.2).
Identifiers: ClinVar variation 780078 (VCV000780078.28), dbSNP rs139570238, ClinGen allele CA10236851.